The following is an entry in ClinVar:

NM_007254.4(PNKP):c.636+6_636+7del

Gene: PNKP (polynucleotide kinase 3'-phosphatase; minus strand). Cytogenetic location: 19q13.33.
Variant type: Microsatellite.
Coding change: c.636+6_636+7del on transcript NM_007254.4 (MANE Select); bases 6 to 7 of the intron after coding-DNA position 636, 2 bases deleted (TG; older notation c.636+6_636+7delTG).
Molecular consequence: intron variant.
Genome position (GRCh38, 1-based): chr19:49,864,172-49,864,173, CA deleted on the plus strand (TG on the coding strand, the reverse complement: PNKP is on the minus strand); deleting any 2 consecutive bases within chr19:49,864,172-49,864,175 gives the same sequence; the c. name uses the placement nearest the transcript's 3' end. VCF-style (leftmost placement, unchanged base first): chr19-49864171-GCA-G. GRCh37 (hg19) VCF-style: chr19-50367428-GCA-G.
Identifiers: ClinVar variation 2183284 (VCV002183284.1), dbSNP rs1449162287, ClinGen allele CA633895387.

ClinVar aggregate classification (germline): Uncertain significance (1 of 4 stars; one submission).

Conditions:
Developmental and epileptic encephalopathy, 12 (DEE12). Identifiers: MedGen C3150988, MONDO:0013389, OMIM 613722.

Submission:

Labcorp Genetics (formerly Invitae), Labcorp
Classification: Uncertain significance for Developmental and epileptic encephalopathy, 12. Last evaluated: 2022-05-17. Review status: criteria provided, single submitter. Criteria: Invitae Variant Classification Sherloc (09022015). Collection method: clinical testing. Allele origin: germline.
Comment: This sequence change falls in intron 6 of the PNKP gene. It does not directly change the encoded amino acid sequence of the PNKP protein. It affects a nucleotide within the consensus splice site. This variant is present in population databases (no rsID available, gnomAD 0.06%). This variant has not been reported in the literature in individuals affected with PNKP-related conditions. Variants that disrupt the consensus splice site are a relatively common cause of aberrant splicing (PMID: 17576681, 9536098). Algorithms developed to predict the effect of sequence changes on RNA splicing suggest that this variant is not likely to affect RNA splicing. In summary, the available evidence is currently insufficient to determine the role of this variant in disease. Therefore, it has been classified as a Variant of Uncertain Significance.

Literature cited by the submitters: PubMed 17576681; PubMed 9536098.